The following is an entry in ClinVar:

NM_003136.4(SRP54):c.289A>C (p.Thr97Pro)

Gene: SRP54 (signal recognition particle 54; plus strand). Cytogenetic location: 14q13.2.
Variant type: single nucleotide variant.
Coding change: c.289A>C on transcript NM_003136.4 (MANE Select); coding-DNA position 289, A replaced by C.
Protein change: p.Thr97Pro; replaces threonine 97 with proline.
Molecular consequence: missense variant.
Genome position (GRCh38, 1-based): chr14:35,007,316, A>C. VCF-style: chr14-35007316-A-C. GRCh37 (hg19) VCF-style: chr14-35476522-A-C.
Other names: c.142A>C, p.Thr48Pro (NM_001146282.2); c.289A>C, p.Thr97Pro (NM_001411017.1); short protein forms T97P, T48P.
Identifiers: ClinVar variation 3657269 (VCV003657269.2).

ClinVar aggregate classification (germline): Uncertain significance (1 of 4 stars; one submission).

Submission:

Labcorp Genetics (formerly Invitae), Labcorp
Classification: Uncertain significance. Last evaluated: 2024-06-21. Review status: criteria provided, single submitter. Criteria: Invitae Variant Classification Sherloc (09022015). Collection method: clinical testing. Allele origin: germline.
Comment: This sequence change replaces threonine, which is neutral and polar, with proline, which is neutral and non-polar, at codon 97 of the SRP54 protein (p.Thr97Pro). This variant is not present in population databases (gnomAD no frequency). This variant has not been reported in the literature in individuals affected with SRP54-related conditions. Advanced modeling of protein sequence and biophysical properties (such as structural, functional, and spatial information, amino acid conservation, physicochemical variation, residue mobility, and thermodynamic stability) performed at Invitae indicates that this missense variant is not expected to disrupt SRP54 protein function with a negative predictive value of 80%. In summary, the available evidence is currently insufficient to determine the role of this variant in disease. Therefore, it has been classified as a Variant of Uncertain Significance.